The following is an entry in ClinVar:

ClinVar aggregate classification (germline): Conflicting classifications of pathogenicity. Review status: criteria provided, conflicting classifications (1 of 4 stars). 3 submissions from 3 submitters: Uncertain significance (1); Likely benign (1). 1 of the submissions does not count toward it. Last evaluated 2026-01-11.

Conditions:
DYSF-related disorder. Also called: DYSF-related condition; DYSF-related disorders.
Neuromuscular disease caused by qualitative or quantitative defects of dysferlin. Also called: Dysferlinopathy; Qualitative or quantitative defects of dysferlin. Identifiers: Orphanet 207073, MedGen C2931687, MONDO:0016145.

Allele frequency attached by ClinVar (database versions not stated): TOPMed below 0.00001; ExAC 0.00001; gnomAD 0.00001; gnomAD exomes 0.00001 and 0.00002.
gnomAD v4.1: 35 of 1,613,944 alleles (0.0022%); highest among the groups gnomAD compares: Middle Eastern, 0.033%; no homozygotes.

Submissions (3):

Labcorp Genetics (formerly Invitae), Labcorp
Classification: Likely benign for Neuromuscular disease caused by qualitative or quantitative defects of dysferlin. Last evaluated: 2026-01-11. Review status: criteria provided, single submitter. Criteria: Invitae Variant Classification Sherloc (09022015). Collection method: clinical testing. Allele origin: germline.

Eurofins Ntd Llc (ga)
Classification: Uncertain significance. Last evaluated: 2016-06-08. Review status: criteria provided, single submitter. Criteria: EGL Classification Definitions 2015. Collection method: clinical testing. Allele origin: germline. Observed: 1 variant allele, 1 heterozygote.

PreventionGenetics, part of Exact Sciences
Classification: Likely benign for DYSF-related condition. Last evaluated: 2021-12-08. Review status: no assertion criteria provided. Collection method: clinical testing. Allele origin: germline. Not counted in ClinVar's aggregate classification.
Comment: This variant is classified as likely benign based on ACMG/AMP sequence variant interpretation guidelines (Richards et al. 2015 PMID: 25741868, with internal and published modifications).

NM_001130987.2(DYSF):c.4188C>T (p.Pro1396=)

Gene: DYSF (dysferlin; plus strand). Cytogenetic location: 2p13.2.
Variant type: single nucleotide variant.
Coding change: c.4188C>T on transcript NM_001130987.2 (MANE Select); coding-DNA position 4188, C replaced by T.
Protein change: p.Pro1396=; no amino-acid change (proline 1396 retained).
Molecular consequence: synonymous variant.
Genome position (GRCh38, 1-based): chr2:71,611,593, C>T. VCF-style: chr2-71611593-C-T. GRCh37 (hg19) VCF-style: chr2-71838723-C-T.
Other names: c.4134C>T, p.Pro1378= (NM_003494.4, NM_001130978.2); c.4095C>T, p.Pro1365= (NM_001130986.2, NM_001130984.2); c.4188C>T, p.Pro1396= (NM_001130985.2); c.4137C>T, p.Pro1379= (NM_001130983.2, NM_001130455.2); c.4230C>T, p.Pro1410= (NM_001130982.2); c.4185C>T, p.Pro1395= (NM_001130981.2, NM_001130980.2); c.4227C>T, p.Pro1409= (NM_001130979.2); c.4092C>T, p.Pro1364= (NM_001130977.2, NM_001130976.2).
Identifiers: ClinVar variation 288623 (VCV000288623.17), dbSNP rs774464702, ClinGen allele CA1706914.
Genomic context (GRCh38, chr2:71,611,593, plus strand): 5'-GGTAGAGTGTGGGGGCCAGACGGTGCAGTCCTGTGTCATCAGGAACCTCCGGAAGAACCC[C>T]AACTTTGACATCTGCACCCTCTTCATGGAAGTGGTGAGCCCCACCTCCCTACTGTCCCCT-3'
Protein context (NP_001124459.1, residues 1386-1406): SCVIRNLRKN[Pro1396=]NFDICTLFME